The following is an entry in ClinVar:

NM_182972.3(IRF2BP2):c.314A>T (p.Glu105Val)

Genes: IRF2BP2 (interferon regulatory factor 2 binding protein 2; minus strand), LOC129932812 (ATAC-STARR-seq lymphoblastoid silent region 1977; plus strand). Cytogenetic location: 1q42.3.
Variant type: single nucleotide variant.
Coding change: c.314A>T on transcript NM_182972.3 (MANE Select); coding-DNA position 314, A replaced by T.
Protein change: p.Glu105Val; replaces glutamic acid 105 with valine.
Molecular consequence: missense variant.
Genome position (GRCh38, 1-based): chr1:234,609,181, T>A on the plus strand (A>T on the coding strand, the complement: IRF2BP2 is on the minus strand). VCF-style: chr1-234609181-T-A. GRCh37 (hg19) VCF-style: chr1-234744927-T-A.
Other names: c.314A>T, p.Glu105Val (NM_001077397.1); short protein forms E105V.
Identifiers: ClinVar variation 2987610 (VCV002987610.3), dbSNP rs1672269040, ClinGen allele CA345311204.

ClinVar aggregate classification (germline): Uncertain significance (1 of 4 stars; one submission).

Allele frequency attached by ClinVar (database versions not stated): TOPMed below 0.00001.

Submission:

Labcorp Genetics (formerly Invitae), Labcorp
Classification: Uncertain significance. Last evaluated: 2023-02-09. Review status: criteria provided, single submitter. Criteria: Invitae Variant Classification Sherloc (09022015). Collection method: clinical testing. Allele origin: germline.
Comment: This variant is not present in population databases (gnomAD no frequency). This variant has not been reported in the literature in individuals affected with IRF2BP2-related conditions. Algorithms developed to predict the effect of missense changes on protein structure and function (SIFT, PolyPhen-2, Align-GVGD) all suggest that this variant is likely to be tolerated. This sequence change replaces glutamic acid, which is acidic and polar, with valine, which is neutral and non-polar, at codon 105 of the IRF2BP2 protein (p.Glu105Val). In summary, the available evidence is currently insufficient to determine the role of this variant in disease. Therefore, it has been classified as a Variant of Uncertain Significance.